The following is an entry in ClinVar:

ClinVar aggregate classification (germline): Uncertain significance (1 of 4 stars; one submission).

Conditions:
Cardiovascular phenotype. Identifiers: MedGen CN230736.

gnomAD v4.1: 53 of 1,612,240 alleles (0.0033%); highest among the groups gnomAD compares: Admixed American, 0.013%; no homozygotes.

Submission:

Ambry Genetics
Classification: Uncertain significance for Cardiovascular phenotype. Last evaluated: 2025-11-07. Review status: criteria provided, single submitter. Criteria: Ambry Variant Classification Scheme 2023. Collection method: clinical testing. Allele origin: germline.
Comment: The p.G335V variant (also known as c.1004G>T), located in coding exon 7 of the LMF1 gene, results from a G to T substitution at nucleotide position 1004. The glycine at codon 335 is replaced by valine, an amino acid with dissimilar properties. This amino acid position is conserved. In addition, this alteration is predicted to be tolerated by in silico analysis. Based on the available evidence, the clinical significance of this variant remains unclear.

NM_022773.4(LMF1):c.1004G>T (p.Gly335Val)

Gene: LMF1 (lipase maturation factor 1; minus strand). Cytogenetic location: 16p13.3.
Variant type: single nucleotide variant.
Coding change: c.1004G>T on transcript NM_022773.4 (MANE Select); coding-DNA position 1004, G replaced by T.
Protein change: p.Gly335Val; replaces glycine 335 with valine.
Molecular consequence: missense variant. On other transcripts: non-coding transcript variant (1).
Genome position (GRCh38, 1-based): chr16:871,235, C>A on the plus strand (G>T on the coding strand, the complement: LMF1 is on the minus strand). VCF-style: chr16-871235-C-A. GRCh37 (hg19) VCF-style: chr16-921235-C-A.
Other names: c.353G>T, p.Gly118Val (NM_001352017.2, NM_001352021.2); c.605G>T, p.Gly202Val (NM_001352018.2); c.677G>T, p.Gly226Val (NM_001352019.2); c.1004G>T, p.Gly335Val (NM_001352020.1); short protein forms G118V, G202V, G226V, G335V.
Identifiers: ClinVar variation 4614526 (VCV004614526.1).